The following is an entry in ClinVar:

ClinVar aggregate classification (germline): Uncertain significance (1 of 4 stars; one submission).

Conditions:
Focal segmental glomerulosclerosis 1 (FSGS1). Identifiers: Orphanet 656, MedGen C4551527, MONDO:0011303, OMIM 603278.

Allele frequency attached by ClinVar (database versions not stated): gnomAD exomes below 0.00001; TOPMed below 0.00001.
gnomAD v4.1: 3 of 1,613,014 alleles (0.00019%); highest among the groups gnomAD compares: Non-Finnish European, 0.00025%; no homozygotes.

Submission:

MVZ Medizinische Genetik Mainz
Classification: Uncertain significance for Focal segmental glomerulosclerosis 1. Last evaluated: 2021-08-06. Review status: criteria provided, single submitter. Criteria: UK Practice Guidelines For Variant Classification V4 01 2020. Collection method: clinical testing. Allele origin: germline. Inheritance: Autosomal dominant inheritance. Observed: 1 variant allele.
Comment: ACMG Criteria: PM2_SUP, PP3 (ACMG Version 3)

NM_004924.6(ACTN4):c.2577+5G>A

Gene: ACTN4 (actinin alpha 4; plus strand). Cytogenetic location: 19q13.2.
Variant type: single nucleotide variant.
Coding change: c.2577+5G>A on transcript NM_004924.6 (MANE Select); 5 bases into the intron after coding-DNA position 2577, G replaced by A.
Molecular consequence: intron variant.
Genome position (GRCh38, 1-based): chr19:38,729,159, G>A. VCF-style: chr19-38729159-G-A. GRCh37 (hg19) VCF-style: chr19-39219799-G-A.
Other names: c.2577+5G>A (NM_001411143.1); c.2562+5G>A (NM_001322033.2).
Identifiers: ClinVar variation 3234032 (VCV003234032.1), dbSNP rs1172546974, ClinGen allele CA633067246.